The following is an entry in ClinVar:

NM_022773.4(LMF1):c.674A>T (p.Lys225Met)

Gene: LMF1 (lipase maturation factor 1; minus strand). Cytogenetic location: 16p13.3.
Variant type: single nucleotide variant.
Coding change: c.674A>T on transcript NM_022773.4 (MANE Select); coding-DNA position 674, A replaced by T.
Protein change: p.Lys225Met; replaces lysine 225 with methionine.
Molecular consequence: missense variant. On other transcripts: non-coding transcript variant (1).
Genome position (GRCh38, 1-based): chr16:893,062, T>A on the plus strand (A>T on the coding strand, the complement: LMF1 is on the minus strand). VCF-style: chr16-893062-T-A. GRCh37 (hg19) VCF-style: chr16-943062-T-A.
Other names: c.23A>T, p.Lys8Met (NM_001352017.2, NM_001352021.2); c.275A>T, p.Lys92Met (NM_001352018.2); c.347A>T, p.Lys116Met (NM_001352019.2); c.674A>T, p.Lys225Met (NM_001352020.1); short protein forms K8M, K116M, K225M, K92M.
Identifiers: ClinVar variation 1755221 (VCV001755221.2), dbSNP rs2544564198, ClinGen allele CA394107002.
Genomic context (GRCh38, chr16:893,062, plus strand): 5'-CTCACCTCATAGTGGAAGTCCATGCAGGTGAGGTCTCGCCAGCACCGGTCCCCCCGGATC[T>A]TGATCAGGCCCTGCAAGGAAGAGAGCAGAGGGAGAGTCAGTCACAGGGGCTGGGGATGCG-3'
Protein context (NP_073610.2, residues 215-235): FRIMLGAGLI[Lys225Met]IRGDRCWRDL

ClinVar aggregate classification (germline): Uncertain significance (1 of 4 stars; one submission).

Conditions:
Cardiovascular phenotype. Identifiers: MedGen CN230736.

Submission:

Ambry Genetics
Classification: Uncertain significance for Cardiovascular phenotype. Last evaluated: 2021-09-14. Review status: criteria provided, single submitter. Criteria: Ambry Variant Classification Scheme 2023. Collection method: clinical testing. Allele origin: germline.
Comment: The p.K225M variant (also known as c.674A>T), located in coding exon 5 of the LMF1 gene, results from an A to T substitution at nucleotide position 674. The lysine at codon 225 is replaced by methionine, an amino acid with similar properties. This amino acid position is conserved. In addition, the in silico prediction for this alteration is inconclusive. Since supporting evidence is limited at this time, the clinical significance of this alteration remains unclear.